The following is an entry in ClinVar:

ClinVar aggregate classification (germline): Likely pathogenic (1 of 4 stars; one submission).

Conditions:
Autosomal recessive limb-girdle muscular dystrophy. Identifiers: Orphanet 102015, MedGen C2931907, MONDO:0015152.

Submission:

Women's Health and Genetics/Laboratory Corporation of America, LabCorp
Classification: Likely pathogenic for Autosomal recessive limb-girdle muscular dystrophy. Last evaluated: 2022-11-03. Review status: criteria provided, single submitter. Criteria: LabCorp Variant Classification Summary - May 2015. Collection method: clinical testing. Allele origin: germline.
Comment: Variant summary: The variant identified by MLPA or other technology involves the deletion of exons 13-20, which includes the last exon in the POMT1 gene. The exact breakpoint at the 3' end of this variant is unknown, and therefore this deletion might extend downstream of the assayed region of the gene. A presumed nomenclature of c.(1241+1_1242-1)_(*701_?)del has been designated for the purposes of this classification. Although the exact breakpoints of this deletion are not known, it is not expected to cause nonsense mediated decay (NMD), but is predicted to cause a large truncation of the encoded protein (removing amino acids 415-747, and likely replacing it with an incorrect sequence). The variant was absent in 21694 control chromosomes (gnomAD, structural variants dataset). To our knowledge, no occurrence of c.(1241+1_1242-1)_(*701_?)del in individuals affected with Limb-Girdle Muscular Dystrophy or other POMT1-related disorders and no experimental evidence demonstrating its impact on protein function have been reported. No clinical diagnostic laboratories have submitted clinical-significance assessments for this variant to ClinVar after 2014. Based on the evidence outlined above, the variant was classified as likely pathogenic.

NC_000009.11:g.(134388719_134390812)_(134399194_?)del

Genes: POMT1 (protein O-mannosyltransferase 1; plus strand), UCK1 (uridine-cytidine kinase 1; minus strand). Cytogenetic location: 9q34.13.
Variant type: Deletion.
Identifiers: ClinVar variation 1804787 (VCV001804787.1).